The following is an entry in ClinVar:

NM_000057.4(BLM):c.461G>A (p.Trp154Ter)

Gene: BLM (BLM RecQ like helicase; plus strand). Cytogenetic location: 15q26.1.
Variant type: single nucleotide variant.
Coding change: c.461G>A on transcript NM_000057.4 (MANE Select); coding-DNA position 461, G replaced by A.
Protein change: p.Trp154Ter; replaces tryptophan 154 with a stop codon.
Molecular consequence: nonsense. On other transcripts: 5 prime UTR variant (1).
Genome position (GRCh38, 1-based): chr15:90,749,729, G>A. VCF-style: chr15-90749729-G-A. GRCh37 (hg19) VCF-style: chr15-91292959-G-A.
Other names: c.461G>A, p.Trp154Ter (NM_001287246.2, NM_001287247.2); c.-831G>A (NM_001287248.2); short protein forms W154*.
Identifiers: ClinVar variation 2157634 (VCV002157634.6), dbSNP rs2505392601, ClinGen allele CA393840816.

ClinVar aggregate classification (germline): Pathogenic. Review status: criteria provided, multiple submitters, no conflicts (2 of 4 stars). 2 submissions from 2 submitters: Pathogenic (2). Last evaluated 2023-09-14.

Conditions:
Hereditary cancer-predisposing syndrome. Also called: Tumor predisposition; Hereditary neoplastic syndrome; Neoplastic Syndromes, Hereditary; Hereditary Cancer Syndrome. Identifiers: Orphanet 140162, MedGen C0027672, MeSH D009386, MONDO:0015356.
Bloom syndrome (BLM). Also called: Bloom-Torre-Machacek syndrome. Identifiers: Orphanet 125, MedGen C0005859, MONDO:0008876, OMIM 210900.

Submissions (2):

Labcorp Genetics (formerly Invitae), Labcorp
Classification: Pathogenic for Bloom syndrome. Last evaluated: 2023-09-14. Review status: criteria provided, single submitter. Criteria: Invitae Variant Classification Sherloc (09022015). Collection method: clinical testing. Allele origin: germline.
Comment: For these reasons, this variant has been classified as Pathogenic. ClinVar contains an entry for this variant (Variation ID: 2157634). This variant has not been reported in the literature in individuals affected with BLM-related conditions. This variant is not present in population databases (gnomAD no frequency). This sequence change creates a premature translational stop signal (p.Trp154*) in the BLM gene. It is expected to result in an absent or disrupted protein product. Loss-of-function variants in BLM are known to be pathogenic (PMID: 17407155).

Ambry Genetics
Classification: Pathogenic for Hereditary cancer-predisposing syndrome. Last evaluated: 2023-01-23. Review status: criteria provided, single submitter. Criteria: Ambry Variant Classification Scheme 2023. Collection method: clinical testing. Allele origin: germline.
Comment: The p.W154* pathogenic mutation (also known as c.461G>A), located in coding exon 2 of the BLM gene, results from a G to A substitution at nucleotide position 461. This changes the amino acid from a tryptophan to a stop codon within coding exon 2. This variant is considered to be rare based on population cohorts in the Genome Aggregation Database (gnomAD). This alteration is expected to result in loss of function by premature protein truncation or nonsense-mediated mRNA decay. As such, this alteration is interpreted as a disease-causing mutation.

Literature cited by the submitters: PubMed 17407155 (cited by Labcorp Genetics (formerly Invitae), Labcorp).